The following is an entry in ClinVar:

ClinVar aggregate classification (germline): Uncertain significance (1 of 4 stars; one submission).

Conditions:
Distal hereditary motor neuropathy type 2. Identifiers: Orphanet 139525, MedGen C3711384, MeSH C580044, MONDO:0015352.

Allele frequency attached by ClinVar (database versions not stated): ExAC 0.00002; gnomAD exomes 0.00004.
gnomAD v4.1: 43 of 1,614,084 alleles (0.0027%); highest among the groups gnomAD compares: South Asian, 0.047%; no homozygotes.

Submission:

Labcorp Genetics (formerly Invitae), Labcorp
Classification: Uncertain significance for Distal hereditary motor neuropathy type 2. Last evaluated: 2025-12-01. Review status: criteria provided, single submitter. Criteria: Invitae Variant Classification Sherloc (09022015). Collection method: clinical testing. Allele origin: germline.
Comment: This sequence change replaces glycine, which is neutral and non-polar, with alanine, which is neutral and non-polar, at codon 734 of the FBXO38 protein (p.Gly734Ala). This variant is present in population databases (rs745545823, gnomAD 0.04%). This variant has not been reported in the literature in individuals affected with FBXO38-related conditions. ClinVar contains an entry for this variant (Variation ID: 857761). Invitae Evidence Modeling of protein sequence and biophysical properties (such as structural, functional, and spatial information, amino acid conservation, physicochemical variation, residue mobility, and thermodynamic stability) indicates that this missense variant is not expected to disrupt FBXO38 protein function with a negative predictive value of 80%. In summary, the available evidence is currently insufficient to determine the role of this variant in disease. Therefore, it has been classified as a Variant of Uncertain Significance.

NM_205836.3(FBXO38):c.2201G>C (p.Gly734Ala)

Gene: FBXO38 (F-box protein 38; plus strand). Cytogenetic location: 5q32.
Variant type: single nucleotide variant.
Coding change: c.2201G>C on transcript NM_205836.3 (MANE Select); coding-DNA position 2201, G replaced by C.
Protein change: p.Gly734Ala; replaces glycine 734 with alanine.
Molecular consequence: missense variant. On other transcripts: intron variant (1).
Genome position (GRCh38, 1-based): chr5:148,427,495, G>C. VCF-style: chr5-148427495-G-C. GRCh37 (hg19) VCF-style: chr5-147807058-G-C.
Other names: c.2201G>C, p.Gly734Ala (NM_030793.5); c.1918+1794G>C (NM_001271723.2); short protein forms G734A.
Identifiers: ClinVar variation 857761 (VCV000857761.11), dbSNP rs745545823, ClinGen allele CA3497468.